The following is an entry in ClinVar:

ClinVar aggregate classification (germline): Uncertain significance (1 of 4 stars; one submission).

Conditions:
GNAS-related disorder. Identifiers: MedGen CN380105.

gnomAD v4.1: 3 of 1,594,290 alleles (0.00019%); highest among the groups gnomAD compares: African/African-American, 0.0027%; no homozygotes.

Submission:

PreventionGenetics, part of Exact Sciences
Classification: Uncertain significance for GNAS-related condition. Last evaluated: 2025-03-31. Review status: criteria provided, single submitter. Criteria: ACMG Guidelines, 2015. Collection method: clinical testing. Allele origin: germline.
Comment: The GNAS c.1631G>A variant is predicted to result in the amino acid substitution p.Arg544Gln. In the primary transcript (NM_000516.5), this variant is found in a non-coding region (c.-36831G>A). To our knowledge, this variant has not been reported in the literature or in a large population database (gnomAD), indicating this variant is rare. At this time, the clinical significance of this variant is uncertain due to the absence of conclusive functional and genetic evidence.

NM_080425.4(GNAS):c.1631G>A (p.Arg544Gln)

Gene: GNAS (GNAS complex locus; plus strand). Cytogenetic location: 20q13.32.
Variant type: single nucleotide variant.
Coding change: c.1631G>A on transcript NM_080425.4 (MANE Plus Clinical); coding-DNA position 1631, G replaced by A.
Protein change: p.Arg544Gln; replaces arginine 544 with glutamine.
Molecular consequence: missense variant. On other transcripts: intron variant (3).
Genome position (GRCh38, 1-based): chr20:58,854,896, G>A. VCF-style: chr20-58854896-G-A. GRCh37 (hg19) VCF-style: chr20-57429951-G-A.
Other names: c.1444G>A, p.Gly482Ser (NM_001077490.3, NM_001309883.1); c.1631G>A, p.Arg544Gln (NM_001410913.1); c.*42+14010G>A (NM_016592.5); c.43+14010G>A (NM_001410912.1); c.-39+13021G>A (NM_001309861.2); short protein forms G482S, R544Q.
Identifiers: ClinVar variation 4998269 (VCV004998269.1).
Genomic context (GRCh38, chr20:58,854,896, plus strand): 5'-GCAAGATCCATCTCAGACCCCCCAGCCCCGAGATCCAGGCTGCCGATCCGCCTACTCCGC[G>A]GCCTACTCGCGCGTCTGCCTGGCGGGGCAAGTCCGAGAGCAGCCGCGGCCGCCGCGTGTA-3'
Protein context (NP_536350.2, residues 534-554): EIQAADPPTP[Arg544Gln]PTRASAWRGK